The following is an entry in ClinVar:

NM_019888.3(MC3R):c.26C>T (p.Ser9Phe)

Gene: MC3R (melanocortin 3 receptor; plus strand). Cytogenetic location: 20q13.2.
Variant type: single nucleotide variant.
Coding change: c.26C>T on transcript NM_019888.3 (MANE Select); coding-DNA position 26, C replaced by T.
Protein change: p.Ser9Phe; replaces serine 9 with phenylalanine.
Molecular consequence: missense variant.
Genome position (GRCh38, 1-based): chr20:56,248,869, C>T. VCF-style: chr20-56248869-C-T. GRCh37 (hg19) VCF-style: chr20-54823925-C-T.
Other names: short protein forms S9F.
Identifiers: ClinVar variation 4994864 (VCV004994864.1).
Genomic context (GRCh38, chr20:56,248,869, plus strand): 5'-TGGAGCCCCAGCTCGGATCAGCCCTTCTGACAGCAATGAATGCTTCGTGCTGCCTGCCCT[C>T]TGTTCAGCCAACACTGCCTAATGGCTCGGAGCACCTCCAAGCCCCTTTCTTCAGCAACCA-3'
Protein context (NP_063941.3, residues 1-19): MNASCCLP[Ser9Phe]VQPTLPNGSE

ClinVar aggregate classification (germline): Uncertain significance (1 of 4 stars; one submission).

Conditions:
MC3R-related disorder. Also called: MC3R-related condition.

Submission:

PreventionGenetics, part of Exact Sciences
Classification: Uncertain significance for MC3R-related condition. Last evaluated: 2026-06-03. Review status: criteria provided, single submitter. Criteria: ACMG Guidelines, 2015. Collection method: clinical testing. Allele origin: germline.
Comment: The MC3R c.26C>T variant is predicted to result in the amino acid substitution p.Ser9Phe. To our knowledge, this variant has not been reported in the literature or in a large population database (gnomAD), indicating this variant is rare. At this time, the clinical significance of this variant is uncertain due to the absence of conclusive functional and genetic evidence.